The following is an entry in ClinVar:

NM_004100.5(EYA4):c.1868_1871del (p.Ser623fs)

Genes: EYA4 (EYA transcriptional coactivator and phosphatase 4; plus strand), TARID (TCF21 antisense RNA inducing promoter demethylation; minus strand). Cytogenetic location: 6q23.2.
Variant type: Deletion.
Coding change: c.1868_1871del on transcript NM_004100.5 (MANE Select); coding-DNA positions 1868 to 1871, 4 bases deleted (GTCA; older notation c.1868_1871delGTCA).
Protein change: p.Ser623fs; shifts the reading frame from serine 623.
Molecular consequence: frameshift variant.
Genome position (GRCh38, 1-based): chr6:133,528,753-133,528,756, GTCA deleted; deleting any 4 consecutive bases within chr6:133,528,751-133,528,756 gives the same sequence; the c. name uses the placement nearest the transcript's 3' end. VCF-style (leftmost placement, unchanged base first): chr6-133528750-CCAGT-C. GRCh37 (hg19) VCF-style: chr6-133849888-CCAGT-C.
Other names: c.1706_1709del, p.Ser569fs (NM_001301012.2); c.1886_1889del, p.Ser629fs (NM_001301013.2); c.1799_1802del, p.Ser600fs (NM_001370458.1, NM_172103.4); c.1724_1727del, p.Ser575fs (NM_001370459.1); c.1868_1871del, p.Ser623fs (NM_172105.4); short protein forms S569fs, S575fs, S600fs, S623fs, S629fs.
Identifiers: ClinVar variation 1316698 (VCV001316698.2), dbSNP rs2128827364, ClinGen allele CA2573052596.

ClinVar aggregate classification (germline): Uncertain significance (1 of 4 stars; one submission).

Submission:

GeneDx
Classification: Uncertain significance. Last evaluated: 2019-04-02. Review status: criteria provided, single submitter. Criteria: GeneDx Variant Classification Process June 2021. Collection method: clinical testing. Allele origin: germline. Affected: yes.
Comment: Not observed in large population cohorts (Lek et al., 2016); Frameshift variant predicted to result in protein truncation as the last 17 amino acids are lost and replaced with 12 incorrect amino acids, although loss-of-function variants have not been reported downstream of this position in the protein; Has not been previously published as pathogenic or benign to our knowledge